The following is an entry in ClinVar:

NM_001252024.2(TRPM1):c.2698G>C (p.Glu900Gln)

Genes: TRPM1 (transient receptor potential cation channel subfamily M member 1; minus strand), TRPM1-AS1 (TRPM1 antisense RNA 1; plus strand). Cytogenetic location: 15q13.3.
Variant type: single nucleotide variant.
Coding change: c.2698G>C on transcript NM_001252024.2 (MANE Select); coding-DNA position 2698, G replaced by C.
Protein change: p.Glu900Gln; replaces glutamic acid 900 with glutamine.
Molecular consequence: missense variant.
Genome position (GRCh38, 1-based): chr15:31,035,548, C>G on the plus strand (G>C on the coding strand, the complement: TRPM1 is on the minus strand). VCF-style: chr15-31035548-C-G. GRCh37 (hg19) VCF-style: chr15-31327751-C-G.
Other names: c.2749G>C, p.Glu917Gln (NM_001252020.2); c.2632G>C, p.Glu878Gln (NM_002420.6); short protein forms E900Q, E917Q, E878Q.
Identifiers: ClinVar variation 2101440 (VCV002101440.4), dbSNP rs951137572, ClinGen allele CA267517781.

ClinVar aggregate classification (germline): Uncertain significance (1 of 4 stars; one submission).

Allele frequency attached by ClinVar (database versions not stated): gnomAD exomes below 0.00001.
gnomAD v4.1: 1 of 1,614,184 alleles (0.000062%); highest among the groups gnomAD compares: Non-Finnish European, 0.000085%; no homozygotes.

Submission:

Labcorp Genetics (formerly Invitae), Labcorp
Classification: Uncertain significance. Last evaluated: 2022-02-22. Review status: criteria provided, single submitter. Criteria: Invitae Variant Classification Sherloc (09022015). Collection method: clinical testing. Allele origin: germline.
Comment: In summary, the available evidence is currently insufficient to determine the role of this variant in disease. Therefore, it has been classified as a Variant of Uncertain Significance. Algorithms developed to predict the effect of missense changes on protein structure and function are either unavailable or do not agree on the potential impact of this missense change (SIFT: "Tolerated"; PolyPhen-2: "Probably Damaging"; Align-GVGD: "Class C0"). This variant has not been reported in the literature in individuals affected with TRPM1-related conditions. This variant is not present in population databases (gnomAD no frequency). This sequence change replaces glutamic acid, which is acidic and polar, with glutamine, which is neutral and polar, at codon 878 of the TRPM1 protein (p.Glu878Gln).